The following is an entry in ClinVar:

ClinVar aggregate classification (germline): Likely pathogenic. Review status: criteria provided, multiple submitters, no conflicts (2 of 4 stars). 2 submissions from 2 submitters: Likely pathogenic (2). Last evaluated 2026-07-15.

Conditions:
Developmental and epileptic encephalopathy, 31A. Also called: Developmental and epileptic encephalopathy, 31; Epileptic encephalopathy, early infantile, 31. Identifiers: Orphanet 2382, MedGen C4225357, MONDO:0014598, OMIM 616346.

Submissions (2):

Institute of Human Genetics, University of Leipzig Medical Center
Classification: Likely pathogenic for Developmental and epileptic encephalopathy, 31A. Last evaluated: 2026-07-15. Review status: criteria provided, single submitter. Criteria: ACMG Guidelines, 2015. Collection method: clinical testing. Allele origin: unknown. Inheritance: Autosomal dominant inheritance. Affected: yes.
Comment: Criteria applied: PM2,PS4_SUP,PM1_SUP,PP2,PP3

Labcorp Genetics (formerly Invitae), Labcorp
Classification: Likely pathogenic for Developmental and epileptic encephalopathy, 31A. Last evaluated: 2021-08-27. Review status: criteria provided, single submitter. Criteria: Invitae Variant Classification Sherloc (09022015). Collection method: clinical testing. Allele origin: germline.

NM_004408.4(DNM1):c.1081C>G (p.Arg361Gly)

Gene: DNM1 (dynamin 1; plus strand). Cytogenetic location: 9q34.11.
Variant type: single nucleotide variant.
Coding change: c.1081C>G on transcript NM_004408.4 (MANE Select); coding-DNA position 1081, C replaced by G.
Protein change: p.Arg361Gly; replaces arginine 361 with glycine.
Molecular consequence: missense variant.
Genome position (GRCh38, 1-based): chr9:128,222,549, C>G. VCF-style: chr9-128222549-C-G. GRCh37 (hg19) VCF-style: chr9-130984828-C-G.
Other names: c.1081C>G, p.Arg361Gly (NM_001005336.3, NM_001288737.2, NM_001288738.2 and 2 more transcripts); short protein forms R361G.
Identifiers: ClinVar variation 852280 (VCV000852280.6), dbSNP rs1835085971, ClinGen allele CA375016275.
Genomic context (GRCh38, chr9:128,222,549, plus strand): 5'-GAGAAGCGCATTGAGGGCTCAGGAGATCAGATCGACACCTACGAACTGTCAGGGGGAGCC[C>G]GCATTAACCGAATCTTCCACGAGCGCTTCCCTTTCGAGCTGGTCAAGGTAGGTCAGGCAG-3'
Protein context (NP_004399.2, residues 351-371): IDTYELSGGA[Arg361Gly]INRIFHERFP